The following is an entry in ClinVar:

ClinVar aggregate classification (germline): Uncertain significance (1 of 4 stars; one submission).

Submission:

Ambry Genetics
Classification: Uncertain significance. Last evaluated: 2024-01-14. Review status: criteria provided, single submitter. Criteria: Ambry Variant Classification Scheme 2023. Collection method: clinical testing. Allele origin: germline.
Comment: The p.N79S variant (also known as c.236A>G), located in coding exon 3 of the NEBL gene, results from an A to G substitution at nucleotide position 236. The asparagine at codon 79 is replaced by serine, an amino acid with highly similar properties. This amino acid position is conserved. In addition, this alteration is predicted to be tolerated by in silico analysis. Since supporting evidence is limited at this time, the clinical significance of this alteration remains unclear.

NM_006393.3(NEBL):c.236A>G (p.Asn79Ser)

Gene: NEBL (nebulette; minus strand). Cytogenetic location: 10p12.31.
Variant type: single nucleotide variant.
Coding change: c.236A>G on transcript NM_006393.3 (MANE Select); coding-DNA position 236, A replaced by G.
Protein change: p.Asn79Ser; replaces asparagine 79 with serine.
Molecular consequence: missense variant. On other transcripts: intron variant (9).
Genome position (GRCh38, 1-based): chr10:20,889,867, T>C on the plus strand (A>G on the coding strand, the complement: NEBL is on the minus strand). VCF-style: chr10-20889867-T-C. GRCh37 (hg19) VCF-style: chr10-21178796-T-C.
Other names: c.249+71805A>G (NM_001377326.1, NM_001377327.1, NM_001377328.1); c.357+71805A>G (NM_213569.2, NM_001173484.2, NM_001377322.1); c.300+71805A>G (NM_001377324.1); c.291+71805A>G (NM_001377325.1); c.309+71805A>G (NM_001377323.1); short protein forms N79S.
Identifiers: ClinVar variation 3225568 (VCV003225568.1), dbSNP rs2492567124, ClinGen allele CA376096406.